The following is an entry in ClinVar:

ClinVar aggregate classification (germline): Uncertain significance (1 of 4 stars; one submission).

Conditions:
Menkes kinky-hair syndrome (MNK). Also called: Classic Menkes Disease; Menkes Disease; Copper transport disease. Identifiers: Orphanet 565, MedGen C0022716, MONDO:0010651, OMIM 309400.

Allele frequency attached by ClinVar (database versions not stated): gnomAD 0.00001.
gnomAD v4.1: 1 of 1,201,201 alleles (0.000083%); highest among the groups gnomAD compares: Admixed American, 0.0022%; no homozygotes.

Submission:

Baylor Genetics
Classification: Uncertain significance for Menkes kinky-hair syndrome. Last evaluated: 2020-02-14. Review status: criteria provided, single submitter. Criteria: ACMG Guidelines, 2015. Collection method: clinical testing. Allele origin: unknown. Affected: yes.
Comment: This variant was determined to be of uncertain significance according to ACMG Guidelines, 2015 [PMID:25741868].

NM_000052.7(ATP7A):c.4213C>T (p.Leu1405Phe)

Gene: ATP7A (ATPase copper transporting alpha; plus strand). Cytogenetic location: Xq21.1.
Variant type: single nucleotide variant.
Coding change: c.4213C>T on transcript NM_000052.7 (MANE Select); coding-DNA position 4213, C replaced by T.
Protein change: p.Leu1405Phe; replaces leucine 1405 with phenylalanine.
Molecular consequence: missense variant. On other transcripts: non-coding transcript variant (1).
Genome position (GRCh38, 1-based): chrX:78,045,559, C>T. VCF-style: chrX-78045559-C-T. GRCh37 (hg19) VCF-style: chrX-77301056-C-T.
Other names: c.3979C>T, p.Leu1327Phe (NM_001282224.2); short protein forms L1327F, L1405F.
Identifiers: ClinVar variation 1029453 (VCV001029453.1), dbSNP rs2078077967, ClinGen allele CA413605918.
Genomic context (GRCh38, chrX:78,045,559, plus strand): 5'-CAGCCCTGGATGGGATCTGCAGCAATGGCTGCTTCATCTGTTTCTGTAGTACTTTCTTCT[C>T]TCTTCCTTAAACTGTAAGTATGATAGCTTGCTCACATTTGTATTTTGTATTCCTGTTATC-3'
Protein context (NP_000043.4, residues 1395-1415): ASSVSVVLSS[Leu1405Phe]FLKLYRKPTY